The following is an entry in ClinVar:

NM_006030.4(CACNA2D2):c.490G>T (p.Ala164Ser)

Gene: CACNA2D2 (calcium voltage-gated channel auxiliary subunit alpha2delta 2; minus strand). Cytogenetic location: 3p21.31.
Variant type: single nucleotide variant.
Coding change: c.490G>T on transcript NM_006030.4 (MANE Select); coding-DNA position 490, G replaced by T.
Protein change: p.Ala164Ser; replaces alanine 164 with serine.
Molecular consequence: missense variant.
Genome position (GRCh38, 1-based): chr3:50,387,588, C>A on the plus strand (G>T on the coding strand, the complement: CACNA2D2 is on the minus strand). VCF-style: chr3-50387588-C-A. GRCh37 (hg19) VCF-style: chr3-50425019-C-A.
Other names: c.490G>T, p.Ala164Ser (NM_001005505.3, NM_001174051.3, NM_001410768.1); c.283G>T, p.Ala95Ser (NM_001291101.1); short protein forms A164S, A95S.
Identifiers: ClinVar variation 2082211 (VCV002082211.4), dbSNP rs1434730003, ClinGen allele CA352946374.
Genomic context (GRCh38, chr3:50,387,588, plus strand): 5'-AGGCCCAGCAAGGAGGTGTGGCTCAGGAGGGGGTGCTCACCAGCTCAGCGTCAGCCTTGG[C>A]GTCATAGTACACGATGTCTTCCTCCTGGTGAGGGGAGAGAGGCCTCAGCACTAGCTGCTC-3'
Protein context (NP_006021.2, residues 154-174): IKEEDIVYYD[Ala164Ser]KADAELDDPE

ClinVar aggregate classification (germline): Uncertain significance (1 of 4 stars; one submission).

Conditions:
Early-infantile DEE. Also called: Early infantile epileptic encephalopathy; Early infantile epileptic encephalopathy with suppression bursts; Ohtahara syndrome. Identifiers: Orphanet 1934, MedGen C0393706, MONDO:0800491.

Allele frequency attached by ClinVar (database versions not stated): gnomAD 0.00001; TOPMed 0.00001.
gnomAD v4.1: 3 of 1,613,594 alleles (0.00019%); highest among the groups gnomAD compares: Non-Finnish European, 0.00025%; no homozygotes.

Submission:

Labcorp Genetics (formerly Invitae), Labcorp
Classification: Uncertain significance for Early-infantile DEE. Last evaluated: 2022-08-23. Review status: criteria provided, single submitter. Criteria: Invitae Variant Classification Sherloc (09022015). Collection method: clinical testing. Allele origin: germline.
Comment: In summary, the available evidence is currently insufficient to determine the role of this variant in disease. Therefore, it has been classified as a Variant of Uncertain Significance. Algorithms developed to predict the effect of missense changes on protein structure and function output the following: SIFT: "Tolerated"; PolyPhen-2: "Benign"; Align-GVGD: "Class C0". The serine amino acid residue is found in multiple mammalian species, which suggests that this missense change does not adversely affect protein function. This variant has not been reported in the literature in individuals affected with CACNA2D2-related conditions. This variant is not present in population databases (gnomAD no frequency). This sequence change replaces alanine, which is neutral and non-polar, with serine, which is neutral and polar, at codon 164 of the CACNA2D2 protein (p.Ala164Ser).